The following is an entry in ClinVar:

NM_199420.4(POLQ):c.3143T>C (p.Leu1048Pro)

Gene: POLQ (DNA polymerase theta; minus strand). Cytogenetic location: 3q13.33.
Variant type: single nucleotide variant.
Coding change: c.3143T>C on transcript NM_199420.4 (MANE Select); coding-DNA position 3143, T replaced by C.
Protein change: p.Leu1048Pro; replaces leucine 1048 with proline.
Molecular consequence: missense variant.
Genome position (GRCh38, 1-based): chr3:121,489,788, A>G on the plus strand (T>C on the coding strand, the complement: POLQ is on the minus strand). VCF-style: chr3-121489788-A-G. GRCh37 (hg19) VCF-style: chr3-121208635-A-G.
Other names: short protein forms L1048P.
Identifiers: ClinVar variation 3229917 (VCV003229917.1), dbSNP rs2048050071, ClinGen allele CA354101582.

ClinVar aggregate classification (germline): Uncertain significance (1 of 4 stars; one submission).

Allele frequency attached by ClinVar (database versions not stated): TOPMed below 0.00001.

Submission:

Ambry Genetics
Classification: Uncertain significance. Last evaluated: 2023-12-04. Review status: criteria provided, single submitter. Criteria: Ambry Variant Classification Scheme 2023. Collection method: clinical testing. Allele origin: germline.
Comment: The p.L1048P variant (also known as c.3143T>C), located in coding exon 16 of the POLQ gene, results from a T to C substitution at nucleotide position 3143. The leucine at codon 1048 is replaced by proline, an amino acid with similar properties. This amino acid position is conserved. In addition, this alteration is predicted to be tolerated by in silico analysis. Since supporting evidence is limited at this time, the clinical significance of this alteration remains unclear.